The following is an entry in ClinVar:

ClinVar aggregate classification (germline): Pathogenic (1 of 4 stars; one submission).

Submission:

Labcorp Genetics (formerly Invitae), Labcorp
Classification: Pathogenic. Last evaluated: 2025-06-13. Review status: criteria provided, single submitter. Criteria: Invitae Variant Classification Sherloc (09022015). Collection method: clinical testing. Allele origin: germline.
Comment: This sequence change creates a premature translational stop signal (p.Glu941Glyfs*28) in the COL11A2 gene. It is expected to result in an absent or disrupted protein product. Loss-of-function variants in COL11A2 are known to be pathogenic (PMID: 10677296, 21204229). This variant is not present in population databases (gnomAD no frequency). This variant has not been reported in the literature in individuals affected with COL11A2-related conditions. For these reasons, this variant has been classified as Pathogenic.

Literature cited by the submitters: PubMed 10677296; PubMed 21204229.

NM_080680.3(COL11A2):c.2821dup (p.Glu941fs)

Gene: COL11A2 (collagen type XI alpha 2 chain; minus strand). Cytogenetic location: 6p21.32.
Variant type: Duplication.
Coding change: c.2821dup on transcript NM_080680.3 (MANE Select); coding-DNA position 2821, one base duplicated (G; older notation c.2821dupG).
Protein change: p.Glu941fs; shifts the reading frame from glutamic acid 941.
Molecular consequence: frameshift variant.
Genome position (GRCh38, 1-based): chr6:33,172,607, C duplicated on the plus strand (G on the coding strand, the reverse complement: COL11A2 is on the minus strand); the first of 5 consecutive C bases (chr6:33,172,607-33,172,611); duplicating any one gives the same sequence. VCF-style (leftmost placement, unchanged base first): chr6-33172606-T-TC. GRCh37 (hg19) VCF-style: chr6-33140383-T-TC.
Other names: c.2641dup, p.Glu881fs (NM_001424108.1); c.1975dup, p.Glu659fs (NM_001424109.1); c.1795dup, p.Glu599fs (NM_001424110.1, NM_001424111.1); c.775dup, p.Glu259fs (NM_001424112.1); c.2500dup, p.Glu834fs (NM_080679.3); c.2563dup, p.Glu855fs (NM_080681.3); short protein forms E259fs, E599fs, E659fs, E834fs, E855fs, E881fs, E941fs.
Identifiers: ClinVar variation 4809871 (VCV004809871.1).